The following is an entry in ClinVar:

ClinVar aggregate classification (germline): Uncertain significance. Review status: criteria provided, single submitter (1 of 4 stars). 2 submissions from 2 submitters: Uncertain significance (1). 1 of the submissions does not count toward it. Last evaluated 2025-07-14.

Conditions:
Retinal dystrophy. Also called: Inherited retinal dystrophy. Identifiers: Orphanet 71862, MedGen C0854723, MeSH D058499, MONDO:0019118, HP:0000556.
Mucopolysaccharidosis, MPS-III-C (MPS3C). Also called: SANFILIPPO SYNDROME C; MPS III C; MPS IIIC (Sanfilippo Syndrome Type C); MUCOPOLYSACCHARIDOSIS, TYPE IIIC; Mucopolysaccharidosis type IIIC (Sanfilippo C); mucopolysaccharidosis type 3C. Identifiers: Orphanet 581, Orphanet 79271, MedGen C0086649, MONDO:0009657, OMIM 252930.
Retinitis pigmentosa 73 (RP73). Identifiers: Orphanet 791, MedGen C4225287, MONDO:0014687, OMIM 616544.

Allele frequency attached by ClinVar (database versions not stated): gnomAD exomes 0.00001; ESP Exome Variant Server 0.00008; ExAC 0.00002.
gnomAD v4.1: 10 of 1,607,512 alleles (0.00062%); highest among the groups gnomAD compares: East Asian, 0.0089%; no homozygotes.

Submissions (2):

Labcorp Genetics (formerly Invitae), Labcorp
Classification: Uncertain significance for Retinitis pigmentosa 73; Mucopolysaccharidosis, MPS-III-C. Last evaluated: 2025-07-14. Review status: criteria provided, single submitter. Criteria: Invitae Variant Classification Sherloc (09022015). Collection method: clinical testing. Allele origin: germline.
Comment: This sequence change falls in intron 4 of the HGSNAT gene. It does not directly change the encoded amino acid sequence of the HGSNAT protein. It affects a nucleotide within the consensus splice site. This variant is present in population databases (rs372471081, gnomAD 0.006%). This variant has not been reported in the literature in individuals affected with HGSNAT-related conditions. ClinVar contains an entry for this variant (Variation ID: 1471851). Variants that disrupt the consensus splice site are a relatively common cause of aberrant splicing (PMID: 17576681, 9536098). Algorithms developed to predict the effect of sequence changes on RNA splicing suggest that this variant is not likely to affect RNA splicing. In summary, the available evidence is currently insufficient to determine the role of this variant in disease. Therefore, it has been classified as a Variant of Uncertain Significance.

Institute of Human Genetics, Univ. Regensburg, Univ. Regensburg
Classification: Uncertain significance for Retinal dystrophy. Last evaluated: 2019-01-01. Review status: no assertion criteria provided. Criteria: ACMG Guidelines, 2015. Collection method: clinical testing. Allele origin: germline. Affected: yes. Not counted in ClinVar's aggregate classification.

Literature cited by the submitters: PubMed 17576681 (cited by Labcorp Genetics (formerly Invitae), Labcorp); PubMed 9536098 (cited by Labcorp Genetics (formerly Invitae), Labcorp).

NM_152419.3(HGSNAT):c.493+4C>T

Gene: HGSNAT (heparan-alpha-glucosaminide N-acetyltransferase; plus strand). Cytogenetic location: 8p11.21.
Variant type: single nucleotide variant.
Coding change: c.493+4C>T on transcript NM_152419.3 (MANE Select); 4 bases into the intron after coding-DNA position 493, C replaced by T.
Molecular consequence: intron variant.
Genome position (GRCh38, 1-based): chr8:43,159,048, C>T. VCF-style: chr8-43159048-C-T. GRCh37 (hg19) VCF-style: chr8-43014191-C-T.
Other names: c.493+4C>T (NM_001363227.2, NM_001363228.2); c.-341+4C>T (NM_001363229.2).
Identifiers: ClinVar variation 1471851 (VCV001471851.5), dbSNP rs372471081, ClinGen allele CA4736516.